The following is an entry in ClinVar:

NM_024675.4(PALB2):c.2028T>G (p.Ile676Met)

Gene: PALB2 (partner and localizer of BRCA2; minus strand). Cytogenetic location: 16p12.2.
Variant type: single nucleotide variant.
Coding change: c.2028T>G on transcript NM_024675.4 (MANE Select); coding-DNA position 2028, T replaced by G.
Protein change: p.Ile676Met; replaces isoleucine 676 with methionine.
Molecular consequence: missense variant.
Genome position (GRCh38, 1-based): chr16:23,630,126, A>C on the plus strand (T>G on the coding strand, the complement: PALB2 is on the minus strand). VCF-style: chr16-23630126-A-C. GRCh37 (hg19) VCF-style: chr16-23641447-A-C.
Other names: short protein forms I676M.
Identifiers: ClinVar variation 410134 (VCV000410134.18), dbSNP rs763937788, ClinGen allele CA7963635.
Genomic context (GRCh38, chr16:23,630,126, plus strand): 5'-CGTCTTTGTATGCTGGCTTTGCGAGTTTGGCCTTTTGGGATGTGATTTTCCTGGTAGAAC[A>C]ATAAGGTCCTCTTCTAAGTCCTCCATTTCTGTATCCATGCGTTTAGGACTCAGTTCCTCT-3'
Protein context (NP_078951.2, residues 666-686): TEMEDLEEDL[Ile676Met]VLPGKSHPKR

ClinVar aggregate classification (germline): Uncertain significance. Review status: criteria provided, multiple submitters, no conflicts (2 of 4 stars). 4 submissions from 4 submitters: Uncertain significance (4). Last evaluated 2025-08-24.

Conditions:
Familial cancer of breast. Also called: hereditary breast carcinoma; Hereditary breast cancer; BREAST CANCER, FAMILIAL. Identifiers: Orphanet 227535, MedGen C0346153, MONDO:0016419, OMIM 114480. Disease mechanism: loss of function.
Hereditary cancer-predisposing syndrome. Also called: Hereditary neoplastic syndrome; Tumor predisposition; Hereditary Cancer Syndrome; Neoplastic Syndromes, Hereditary. Identifiers: Orphanet 140162, MedGen C0027672, MeSH D009386, MONDO:0015356.

Allele frequency attached by ClinVar (database versions not stated): gnomAD exomes below 0.00001; gnomAD 0.00001; ExAC 0.00002.
gnomAD v4.1: 2 of 1,614,046 alleles (0.00012%); highest among the groups gnomAD compares: Admixed American, 0.0017%; no homozygotes.

Submissions (4):

Labcorp Genetics (formerly Invitae), Labcorp
Classification: Uncertain significance for Familial cancer of breast. Last evaluated: 2025-08-24. Review status: criteria provided, single submitter. Criteria: Invitae Variant Classification Sherloc (09022015). Collection method: clinical testing. Allele origin: germline.
Comment: This sequence change replaces isoleucine, which is neutral and non-polar, with methionine, which is neutral and non-polar, at codon 676 of the PALB2 protein (p.Ile676Met). This variant is present in population databases (rs763937788, gnomAD 0.006%). This variant has not been reported in the literature in individuals affected with PALB2-related conditions. ClinVar contains an entry for this variant (Variation ID: 410134). Invitae Evidence Modeling of protein sequence and biophysical properties (such as structural, functional, and spatial information, amino acid conservation, physicochemical variation, residue mobility, and thermodynamic stability) indicates that this missense variant is not expected to disrupt PALB2 protein function with a negative predictive value of 80%. In summary, the available evidence is currently insufficient to determine the role of this variant in disease. Therefore, it has been classified as a Variant of Uncertain Significance.

Dasa
Classification: Uncertain significance. Last evaluated: 2024-12-14. Review status: criteria provided, single submitter. Criteria: DASA Assertion Criteria. Collection method: clinical testing. Allele origin: germline.
Comment: NM_024675.4(PALB2):c.2028T>G (p.Ile676Met) is a missense variant that results in the substitution of isoleucine with methionine. This variant is rare in population databases. The currently available literature and clinical evidence are not sufficient to establish a definitive association between this variant and the reported condition. Therefore, this variant is classified as a variant of uncertain significance.

Ambry Genetics
Classification: Uncertain significance for Hereditary cancer-predisposing syndrome. Last evaluated: 2024-06-10. Review status: criteria provided, single submitter. Criteria: Ambry Variant Classification Scheme 2023. Collection method: clinical testing. Allele origin: germline.
Comment: The p.I676M variant (also known as c.2028T>G), located in coding exon 5 of the PALB2 gene, results from a T to G substitution at nucleotide position 2028. The isoleucine at codon 676 is replaced by methionine, an amino acid with highly similar properties. This amino acid position is not well conserved in available vertebrate species. In addition, this alteration is predicted to be tolerated by in silico analysis. Since supporting evidence is limited at this time, the clinical significance of this alteration remains unclear.

St. Jude Molecular Pathology, St. Jude Children's Research Hospital
Classification: Uncertain significance for Familial cancer of breast. Last evaluated: 2024-01-31. Review status: criteria provided, single submitter. Criteria: St. Jude Assertion Criteria 2020. Collection method: clinical testing. Allele origin: germline.
Comment: The PALB2 c.2028T>G (p.Ile676Met) missense change has a maximum subpopulation frequency of 0.0028% in gnomAD v2.1.1. The in silico tool REVEL predicts a benign effect on protein function, but to our knowledge this prediction has not been confirmed by functional studies. To our knowledge, this variant has not been reported in individuals with PALB2-associated conditions. In summary, the evidence currently available is insufficient to determine the clinical significance of this variant. It has therefore been classified as of uncertain significance.